The following is an entry in ClinVar:

ClinVar aggregate classification (germline): Uncertain significance (1 of 4 stars; one submission).

Submission:

Women's Health and Genetics/Laboratory Corporation of America, LabCorp
Classification: Uncertain significance. Last evaluated: 2025-03-31. Review status: criteria provided, single submitter. Criteria: LabCorp Variant Classification Summary - May 2015. Collection method: clinical testing. Allele origin: germline.
Comment: Variant summary: CUX2 c.3682_3684delTTG (p.Leu1228del) results in an in-frame deletion that is predicted to remove 1 amino acid from the encoded protein. The frequency data for this variant in gnomAD is considered unreliable, as metrics indicate poor data quality at this position. To our knowledge, no occurrence of c.3682_3684delTTG in individuals affected with Early Infantile Epileptic Encephalopathy, Autosomal Dominant and no experimental evidence demonstrating its impact on protein function have been reported. No submitters have cited clinical-significance assessments for this variant to ClinVar. Based on the evidence outlined above, the variant was classified as uncertain significance.

NM_015267.4(CUX2):c.3682_3684del (p.Leu1228del)

Gene: CUX2 (cut like homeobox 2; plus strand). Cytogenetic location: 12q24.12.
Variant type: Deletion.
Coding change: c.3682_3684del on transcript NM_015267.4 (MANE Select); coding-DNA positions 3682 to 3684, 3 bases deleted (TTG; older notation c.3682_3684delTTG).
Protein change: p.Leu1228del; deletes leucine 1228.
Genome position (GRCh38, 1-based): chr12:111,347,546-111,347,548, TTG deleted; deleting any 3 consecutive bases within chr12:111,347,544-111,347,548 gives the same sequence; the c. name uses the placement nearest the transcript's 3' end. VCF-style (leftmost placement, unchanged base first): chr12-111347543-ATGT-A. GRCh37 (hg19) VCF-style: chr12-111785347-ATGT-A.
Other names: c.3496_3498del, p.Leu1166del (NM_001370598.1); c.3682_3684delTTG (NM_015267.4); short protein forms L1166del, L1228del.
Identifiers: ClinVar variation 3895567 (VCV003895567.1).